The following is an entry in ClinVar:

NM_001375567.1(FOCAD):c.5108A>G (p.His1703Arg)

Gene: FOCAD (focadhesin; plus strand). Cytogenetic location: 9p21.3.
Variant type: single nucleotide variant.
Coding change: c.5108A>G on transcript NM_001375567.1 (MANE Select); coding-DNA position 5108, A replaced by G.
Protein change: p.His1703Arg; replaces histidine 1703 with arginine.
Molecular consequence: missense variant.
Genome position (GRCh38, 1-based): chr9:20,990,226, A>G. VCF-style: chr9-20990226-A-G. GRCh37 (hg19) VCF-style: chr9-20990225-A-G.
Other names: c.5003A>G, p.His1668Arg (NM_001375568.1, NM_001375570.1); c.5108A>G, p.His1703Arg (NM_017794.5); short protein forms H1703R, H1668R.
Identifiers: ClinVar variation 3516517 (VCV003516517.3).

ClinVar aggregate classification (germline): Uncertain significance. Review status: criteria provided, multiple submitters, no conflicts (2 of 4 stars). 2 submissions from 2 submitters: Uncertain significance (2). Last evaluated 2024-11-04.

Conditions:
Inborn genetic diseases. Identifiers: MedGen C0950123, MeSH D030342.

gnomAD v4.1: 17 of 1,614,056 alleles (0.0011%); highest among the groups gnomAD compares: Non-Finnish European, 0.0013%; no homozygotes.

Submissions (2):

Labcorp Genetics (formerly Invitae), Labcorp
Classification: Uncertain significance. Last evaluated: 2024-11-04. Review status: criteria provided, single submitter. Criteria: Invitae Variant Classification Sherloc (09022015). Collection method: clinical testing. Allele origin: germline.
Comment: This sequence change replaces histidine, which is basic and polar, with arginine, which is basic and polar, at codon 1703 of the FOCAD protein (p.His1703Arg). This variant is present in population databases (rs763608595, gnomAD 0.005%). This variant has not been reported in the literature in individuals affected with FOCAD-related conditions. Experimental studies and prediction algorithms are not available or were not evaluated, and the functional significance of this variant is currently unknown. In summary, the available evidence is currently insufficient to determine the role of this variant in disease. Therefore, it has been classified as a Variant of Uncertain Significance.

Ambry Genetics
Classification: Uncertain significance for Inborn genetic diseases. Last evaluated: 2024-10-03. Review status: criteria provided, single submitter. Criteria: Ambry Variant Classification Scheme 2023. Collection method: clinical testing. Allele origin: germline.